The following is an entry in ClinVar:

NM_003079.5(SMARCE1):c.816+1G>T

Gene: SMARCE1 (SWI/SNF related BAF chromatin remodeling complex subunit E1; minus strand). Cytogenetic location: 17q21.2.
Variant type: single nucleotide variant.
Coding change: c.816+1G>T on transcript NM_003079.5 (MANE Select); the canonical splice donor site of the intron after coding-DNA position 816, G replaced by T.
Molecular consequence: splice donor variant.
Genome position (GRCh38, 1-based): chr17:40,631,591, C>A on the plus strand (G>T on the coding strand, the complement: SMARCE1 is on the minus strand). VCF-style: chr17-40631591-C-A. GRCh37 (hg19) VCF-style: chr17-38787843-C-A.
Identifiers: ClinVar variation 1762229 (VCV001762229.3), dbSNP rs2143986798, ClinGen allele CA399364073.

ClinVar aggregate classification (germline): Pathogenic (1 of 4 stars; one submission).

Conditions:
Hereditary cancer-predisposing syndrome. Also called: Neoplastic Syndromes, Hereditary; Tumor predisposition; Hereditary Cancer Syndrome; Hereditary neoplastic syndrome. Identifiers: Orphanet 140162, MedGen C0027672, MeSH D009386, MONDO:0015356.

Submission:

Ambry Genetics
Classification: Pathogenic for Hereditary cancer-predisposing syndrome. Last evaluated: 2025-09-08. Review status: criteria provided, single submitter. Criteria: Ambry Variant Classification Scheme 2023. Collection method: clinical testing. Allele origin: germline.
Comment: The c.816+1G>T intronic pathogenic mutation results from a G to T substitution one nucleotide after coding exon 8 of the SMARCE1 gene. This variant has been detected in individual(s) with features consistent with SMARCE1-related menigioma susceptibility (Ambry internal data). This nucleotide position is highly conserved in available vertebrate species. In silico splice site analysis predicts that this alteration will weaken the native splice donor site and will result in the creation or strengthening of a novel splice donor site; however, direct evidence is insufficient at this time (Ambry internal data). This variant is considered to be rare based on population cohorts in the Genome Aggregation Database (gnomAD). Alterations that disrupt the canonical splice site are expected to cause aberrant splicing, resulting in an abnormal protein or a transcript that is subject to nonsense-mediated mRNA decay. Loss-of-function variants in SMARCE1 are known to cause increased risk of meningiomas; however, such associations with neurodevelopmental disorders are exceedingly rare (Kosho T et al. Am J Med Genet C Semin Med Genet. 2014 Sep;166C(3):262-75; Smith JM et al. Nat Genet. 2013 Mar;45(3):295-8). Based on the supporting evidence, this alteration is pathogenic for rhabdoid tumor predisposition syndrome; however, the association of this alteration with Coffin-Siris syndrome is unlikely.